The following is an entry in ClinVar:

NM_007373.4(SHOC2):c.1161+5G>T

Gene: SHOC2 (SHOC2 leucine rich repeat scaffold protein; plus strand). Cytogenetic location: 10q25.2.
Variant type: single nucleotide variant.
Coding change: c.1161+5G>T on transcript NM_007373.4 (MANE Select); 5 bases into the intron after coding-DNA position 1161, G replaced by T.
Molecular consequence: intron variant.
Genome position (GRCh38, 1-based): chr10:111,004,799, G>T. VCF-style: chr10-111004799-G-T. GRCh37 (hg19) VCF-style: chr10-112764557-G-T.
Other names: c.1161+5G>T (NM_001324336.2, NM_001324337.2); c.1023+5G>T (NM_001269039.3).
Identifiers: ClinVar variation 1206922 (VCV001206922.12), dbSNP rs375479660, ClinGen allele CA5689712.
Genomic context (GRCh38, chr10:111,004,799, plus strand): 5'-AAATTCCATTTGGAATTTTCTCCAGAGCAAAAGTATTAAGTAAGCTGAATATGAAGGTAA[G>T]CATATATTTGTTTACTAGGGAAAGGAATTGCTTTAATTGGTACTTCCACTAATATTTATG-3'

ClinVar aggregate classification (germline): Uncertain significance. Review status: criteria provided, multiple submitters, no conflicts (2 of 4 stars). 4 submissions from 4 submitters: Uncertain significance (4). Last evaluated 2025-02-19.

Conditions:
Noonan syndrome and Noonan-related syndrome. Identifiers: Orphanet 98733, MedGen C5681679, MONDO:0020297.
RASopathy. Also called: rasopathies; Noonan spectrum disorder. Identifiers: Orphanet 536391, MedGen C5555857, MONDO:0021060.

Allele frequency attached by ClinVar (database versions not stated): gnomAD 0.00001; ExAC 0.00002; ESP Exome Variant Server 0.00008; TOPMed 0.00001; gnomAD exomes 0.00002 and 0.00001.
gnomAD v4.1: 12 of 1,577,934 alleles (0.00076%); highest among the groups gnomAD compares: Non-Finnish European, 0.001%; no homozygotes.

Submissions (4):

Labcorp Genetics (formerly Invitae), Labcorp
Classification: Uncertain significance for RASopathy. Last evaluated: 2025-02-19. Review status: criteria provided, single submitter. Criteria: Invitae Variant Classification Sherloc (09022015). Collection method: clinical testing. Allele origin: germline.
Comment: This sequence change falls in intron 5 of the SHOC2 gene. It does not directly change the encoded amino acid sequence of the SHOC2 protein. It affects a nucleotide within the consensus splice site. This variant is present in population databases (rs375479660, gnomAD 0.004%). This variant has not been reported in the literature in individuals affected with SHOC2-related conditions. ClinVar contains an entry for this variant (Variation ID: 1206922). Variants that disrupt the consensus splice site are a relatively common cause of aberrant splicing (PMID: 17576681, 9536098). Algorithms developed to predict the effect of sequence changes on RNA splicing suggest that this variant may create or strengthen a splice site. In summary, the available evidence is currently insufficient to determine the role of this variant in disease. Therefore, it has been classified as a Variant of Uncertain Significance.

Mayo Clinic Laboratories, Mayo Clinic
Classification: Uncertain significance. Last evaluated: 2023-12-19. Review status: criteria provided, single submitter. Criteria: ACMG Guidelines, 2015. Collection method: clinical testing. Allele origin: germline. Observed: 1 variant allele.
Comment: BP5

GeneDx
Classification: Uncertain significance. Last evaluated: 2021-12-08. Review status: criteria provided, single submitter. Criteria: GeneDx Variant Classification Process June 2021. Collection method: clinical testing. Allele origin: germline. Affected: yes.
Comment: Intronic +5 splice site variant in a gene for which loss-of-function is not a known mechanism of disease, and both splice predictors and evolutionary conservation support a deleterious effect, although in the absence of functional evidence the actual effect of this sequence change is unknown.; Has not been previously published as pathogenic or benign to our knowledge

Genome Diagnostics Laboratory, The Hospital for Sick Children
Classification: Uncertain significance for Noonan syndrome and Noonan-related syndrome. Last evaluated: 2019-04-01. Review status: criteria provided, single submitter. Criteria: ACMG Guidelines, 2015. Collection method: clinical testing. Allele origin: germline.

Literature cited by the submitters: PubMed 17576681 (cited by Labcorp Genetics (formerly Invitae), Labcorp); PubMed 9536098 (cited by Labcorp Genetics (formerly Invitae), Labcorp).